The following is an entry in ClinVar:

ClinVar aggregate classification (germline): Uncertain significance. Review status: criteria provided, multiple submitters, no conflicts (2 of 4 stars). 3 submissions from 3 submitters: Uncertain significance (2). 1 of the submissions does not count toward it. Last evaluated 2023-12-14.

Conditions:
Cohen syndrome (COH1). Also called: PEPPER SYNDROME; Cutis verticis gyrata, retinitis pigmentosa, and sensorineural deafness. Identifiers: Orphanet 193, MedGen C0265223, MONDO:0008999, OMIM 216550.

Allele frequency attached by ClinVar (database versions not stated): TOPMed below 0.00001; gnomAD 0.00001; gnomAD exomes 0.00001.
gnomAD v4.1: 19 of 1,613,826 alleles (0.0012%); highest among the groups gnomAD compares: Non-Finnish European, 0.0015%; no homozygotes.

Submissions (3):

GeneDx
Classification: Uncertain significance. Last evaluated: 2023-12-14. Review status: criteria provided, single submitter. Criteria: GeneDx Variant Classification Process June 2021. Collection method: clinical testing. Allele origin: germline. Affected: yes.
Comment: In silico analysis supports that this missense variant has a deleterious effect on protein structure/function; Has not been previously published as pathogenic or benign to our knowledge

Blueprint Genetics
Classification: Uncertain significance. Last evaluated: 2021-12-22. Review status: criteria provided, single submitter. Criteria: ACMG Guidelines, 2015. Collection method: clinical testing. Allele origin: germline.

Natera, Inc.
Classification: Uncertain significance for Cohen syndrome. Last evaluated: 2020-09-28. Review status: no assertion criteria provided. Collection method: clinical testing. Allele origin: germline. Not counted in ClinVar's aggregate classification.

NM_152564.5(VPS13B):c.4286C>A (p.Thr1429Lys)

Gene: VPS13B (vacuolar protein sorting 13 homolog B; plus strand). Cytogenetic location: 8q22.2.
Variant type: single nucleotide variant.
Coding change: c.4286C>A on transcript NM_152564.5 (MANE Select); coding-DNA position 4286, C replaced by A.
Protein change: p.Thr1429Lys; replaces threonine 1429 with lysine.
Molecular consequence: missense variant.
Genome position (GRCh38, 1-based): chr8:99,511,165, C>A. VCF-style: chr8-99511165-C-A. GRCh37 (hg19) VCF-style: chr8-100523393-C-A.
Other names: c.4361C>A, p.Thr1454Lys (NM_017890.5); short protein forms T1429K, T1454K.
Identifiers: ClinVar variation 1203098 (VCV001203098.8), dbSNP rs1232811849, ClinGen allele CA371871296.